The following is an entry in ClinVar:

NM_001063.4(TF):c.268_276dup (p.Ala92_Pro93insTyrLeuAla)

Gene: TF (transferrin; plus strand). Cytogenetic location: 3q22.1.
Variant type: Duplication.
Coding change: c.268_276dup on transcript NM_001063.4 (MANE Select); coding-DNA positions 268 to 276, 9 bases duplicated (TACCTGGCT; older notation c.268_276dupTACCTGGCT).
Protein change: p.Ala92_Pro93insTyrLeuAla.
Molecular consequence: inframe insertion. On other transcripts: 5 prime UTR variant (1).
Genome position (GRCh38, 1-based): chr3:133,753,646-133,753,654, TACCTGGCT duplicated; duplicating any 9 consecutive bases within chr3:133,753,643-133,753,654 gives the same sequence; the c. name uses the placement nearest the transcript's 3' end. VCF-style (leftmost placement, unchanged base first): chr3-133753642-T-TGCTTACCTG. GRCh37 (hg19) VCF-style: chr3-133472486-T-TGCTTACCTG.
Other names: c.136_144dup, p.Ala48_Pro49insTyrLeuAla (NM_001354703.2); c.-114_-106dup (NM_001354704.2).
Identifiers: ClinVar variation 5004138 (VCV005004138.1).

ClinVar aggregate classification (germline): Uncertain significance (1 of 4 stars; one submission).

Conditions:
Atransferrinemia. Also called: Familial hypotransferrinemia. Identifiers: Orphanet 1195, MedGen C0521802, MONDO:0008846, OMIM 209300, HP:0012239.

Submission:

Myriad Genetics, Inc.
Classification: Uncertain significance for Atransferrinemia. Last evaluated: 2025-08-25. Review status: criteria provided, single submitter. Criteria: Myriad Autosomal Dominant, Autosomal Recessive and X-Linked Classification Criteria (2023). Collection method: clinical testing. Allele origin: unknown.
Comment: NM_001063.3(TF):c.268_276dup9(Y90_A92dup) is an in-frame insertion classified as a variant of uncertain significance in the context of atransferrinemia. Y90_A92dup has not been observed in cases with relevant disease. Relevant functional assessments of this variant are not available in the literature. Y90_A92dup has not been observed in referenced population frequency databases. In summary, there is insufficient evidence to classify NM_001063.3(TF):c.268_276dup9(Y90_A92dup) as pathogenic or benign. Please note: this variant was assessed in the context of healthy population screening.